The following is an entry in ClinVar:

NM_001323289.2(CDKL5):c.830T>C (p.Leu277Ser)

Gene: CDKL5 (cyclin dependent kinase like 5; plus strand). Cytogenetic location: Xp22.13.
Variant type: single nucleotide variant.
Coding change: c.830T>C on transcript NM_001323289.2 (MANE Select); coding-DNA position 830, T replaced by C.
Protein change: p.Leu277Ser; replaces leucine 277 with serine.
Molecular consequence: missense variant.
Genome position (GRCh38, 1-based): chrX:18,598,466, T>C. VCF-style: chrX-18598466-T-C. GRCh37 (hg19) VCF-style: chrX-18616586-T-C.
Other names: c.830T>C, p.Leu277Ser (NM_001037343.2, NM_003159.3); short protein forms L277S.
Identifiers: ClinVar variation 1410163 (VCV001410163.6), dbSNP rs2147156094, ClinGen allele CA412355603.

ClinVar aggregate classification (germline): Pathogenic (1 of 4 stars; one submission).

Conditions:
Angelman syndrome-like. Identifiers: MedGen CN128785.
Developmental and epileptic encephalopathy, 2 (DEE2). Also called: INFANTILE SPASM SYNDROME, X-LINKED 2; CDKL5 deficiency disorder. Identifiers: Orphanet 1934, Orphanet 3451, Orphanet 505652, MedGen C4750718, MONDO:0010396, OMIM 300672.

Submission:

Labcorp Genetics (formerly Invitae), Labcorp
Classification: Pathogenic for Developmental and epileptic encephalopathy, 2; Angelman syndrome-like. Last evaluated: 2022-07-25. Review status: criteria provided, single submitter. Criteria: Invitae Variant Classification Sherloc (09022015). Collection method: clinical testing. Allele origin: germline.
Comment: For these reasons, this variant has been classified as Pathogenic. Advanced modeling of protein sequence and biophysical properties (such as structural, functional, and spatial information, amino acid conservation, physicochemical variation, residue mobility, and thermodynamic stability) performed at Invitae indicates that this missense variant is expected to disrupt CDKL5 protein function. ClinVar contains an entry for this variant (Variation ID: 1410163). This missense change has been observed in individual(s) with clinical features of CDKL5-related conditions (Invitae). In at least one individual the variant was observed to be de novo. This variant is not present in population databases (gnomAD no frequency). This sequence change replaces leucine, which is neutral and non-polar, with serine, which is neutral and polar, at codon 277 of the CDKL5 protein (p.Leu277Ser).